The following is an entry in ClinVar:

ClinVar aggregate classification (germline): Likely benign. Review status: criteria provided, single submitter (1 of 4 stars). 2 submissions from 2 submitters: Likely benign (1). 1 of the submissions does not count toward it. Last evaluated 2024-11-18.

Conditions:
PHF21A-related disorder. Also called: PHF21A-related condition.

Allele frequency attached by ClinVar (database versions not stated): gnomAD exomes 0.00004; ExAC 0.00007; ESP Exome Variant Server 0.00008; TOPMed 0.00012; 1000 Genomes Project 30x 0.00031; gnomAD 0.00012; 1000 Genomes Project 0.00040.
gnomAD v4.1: 78 of 1,613,874 alleles (0.0048%); highest among the groups gnomAD compares: Admixed American, 0.037%; no homozygotes.

Submissions (2):

Labcorp Genetics (formerly Invitae), Labcorp
Classification: Likely benign. Last evaluated: 2024-11-18. Review status: criteria provided, single submitter. Criteria: Invitae Variant Classification Sherloc (09022015). Collection method: clinical testing. Allele origin: germline.

PreventionGenetics, part of Exact Sciences
Classification: Likely benign for PHF21A-related condition. Last evaluated: 2024-09-25. Review status: no assertion criteria provided. Collection method: clinical testing. Allele origin: germline. Not counted in ClinVar's aggregate classification.
Comment: This variant is classified as likely benign based on ACMG/AMP sequence variant interpretation guidelines (Richards et al. 2015 PMID: 25741868, with internal and published modifications).

NM_001352027.3(PHF21A):c.1944G>A (p.Pro648=)

Gene: PHF21A (PHD finger protein 21A; minus strand). Cytogenetic location: 11p11.2.
Variant type: single nucleotide variant.
Coding change: c.1944G>A on transcript NM_001352027.3 (MANE Select); coding-DNA position 1944, G replaced by A.
Protein change: p.Pro648=; no amino-acid change (proline 648 retained).
Molecular consequence: synonymous variant. On other transcripts: non-coding transcript variant (2).
Genome position (GRCh38, 1-based): chr11:45,934,070, C>T on the plus strand (G>A on the coding strand, the complement: PHF21A is on the minus strand). VCF-style: chr11-45934070-C-T. GRCh37 (hg19) VCF-style: chr11-45955621-C-T.
Other names: c.1941G>A, p.Pro647= (NM_001101802.3); c.1944G>A, p.Pro648= (NM_001352025.3, NM_001352026.3); c.1803G>A, p.Pro601= (NM_001352028.1, NM_001352029.1, NM_016621.5); c.1800G>A, p.Pro600= (NM_001352030.3, NM_001352031.3, NM_001352032.3); c.1803G>A (NM_016621.3).
Identifiers: ClinVar variation 2068654 (VCV002068654.5), dbSNP rs199802844, ClinGen allele CA5960929.